The following is an entry in ClinVar:

NM_206933.4(USH2A):c.13537A>G (p.Asn4513Asp)

Gene: USH2A (usherin; minus strand). Cytogenetic location: 1q41.
Variant type: single nucleotide variant.
Coding change: c.13537A>G on transcript NM_206933.4 (MANE Select); coding-DNA position 13537, A replaced by G.
Protein change: p.Asn4513Asp; replaces asparagine 4513 with aspartic acid.
Molecular consequence: missense variant.
Genome position (GRCh38, 1-based): chr1:215,674,374, T>C on the plus strand (A>G on the coding strand, the complement: USH2A is on the minus strand). VCF-style: chr1-215674374-T-C. GRCh37 (hg19) VCF-style: chr1-215847716-T-C.
Other names: short protein forms N4513D.
Identifiers: ClinVar variation 3633748 (VCV003633748.2).

ClinVar aggregate classification (germline): Uncertain significance (1 of 4 stars; one submission).

Submission:

Labcorp Genetics (formerly Invitae), Labcorp
Classification: Uncertain significance. Last evaluated: 2025-01-30. Review status: criteria provided, single submitter. Criteria: Invitae Variant Classification Sherloc (09022015). Collection method: clinical testing. Allele origin: germline.
Comment: This sequence change replaces asparagine, which is neutral and polar, with aspartic acid, which is acidic and polar, at codon 4513 of the USH2A protein (p.Asn4513Asp). This variant is not present in population databases (gnomAD no frequency). This missense change has been observed in individual(s) with clinical features of retinal dystrophy (internal data). In at least one individual the data is consistent with being in trans (on the opposite chromosome) from a pathogenic variant. Invitae Evidence Modeling of protein sequence and biophysical properties (such as structural, functional, and spatial information, amino acid conservation, physicochemical variation, residue mobility, and thermodynamic stability) has been performed for this missense variant. However, the output from this modeling did not meet the statistical confidence thresholds required to predict the impact of this variant on USH2A protein function. In summary, the available evidence is currently insufficient to determine the role of this variant in disease. Therefore, it has been classified as a Variant of Uncertain Significance.